The following is an entry in ClinVar:

ClinVar aggregate classification (germline): Uncertain significance. Review status: criteria provided, multiple submitters, no conflicts (2 of 4 stars). 2 submissions from 2 submitters: Uncertain significance (2). Last evaluated 2025-12-02.

Allele frequency attached by ClinVar (database versions not stated): gnomAD 0.00006; ExAC 0.00007; TOPMed 0.00009.
gnomAD v4.1: 298 of 1,591,584 alleles (0.019%); highest among the groups gnomAD compares: Non-Finnish European, 0.025%; no homozygotes.

Submissions (2):

Labcorp Genetics (formerly Invitae), Labcorp
Classification: Uncertain significance. Last evaluated: 2025-12-02. Review status: criteria provided, single submitter. Criteria: Invitae Variant Classification Sherloc (09022015). Collection method: clinical testing. Allele origin: germline.
Comment: This sequence change replaces threonine, which is neutral and polar, with methionine, which is neutral and non-polar, at codon 7 of the YME1L1 protein (p.Thr7Met). This variant is present in population databases (rs761115049, gnomAD 0.01%). This variant has not been reported in the literature in individuals affected with YME1L1-related conditions. ClinVar contains an entry for this variant (Variation ID: 2397125). An algorithm developed to predict the effect of missense changes on protein structure and function (PolyPhen-2) suggests that this variant is likely to be disruptive. In summary, the available evidence is currently insufficient to determine the role of this variant in disease. Therefore, it has been classified as a Variant of Uncertain Significance.

Ambry Genetics
Classification: Uncertain significance. Last evaluated: 2021-09-01. Review status: criteria provided, single submitter. Criteria: Ambry Variant Classification Scheme 2023. Collection method: clinical testing. Allele origin: germline.

NM_014263.4(YME1L1):c.20C>T (p.Thr7Met)

Gene: YME1L1 (YME1 like 1 ATPase; minus strand). Cytogenetic location: 10p12.1.
Variant type: single nucleotide variant.
Coding change: c.20C>T on transcript NM_014263.4 (MANE Select); coding-DNA position 20, C replaced by T.
Protein change: p.Thr7Met; replaces threonine 7 with methionine.
Molecular consequence: missense variant.
Genome position (GRCh38, 1-based): chr10:27,154,191, G>A on the plus strand (C>T on the coding strand, the complement: YME1L1 is on the minus strand). VCF-style: chr10-27154191-G-A. GRCh37 (hg19) VCF-style: chr10-27443120-G-A.
Other names: c.20C>T, p.Thr7Met (NM_001253866.2, NM_139312.3); short protein forms T7M.
Identifiers: ClinVar variation 2397125 (VCV002397125.3), dbSNP rs761115049, ClinGen allele CA5449812.